The following is an entry in ClinVar:

NM_001100913.3(PACS2):c.2660C>T (p.Ser887Leu)

Gene: PACS2 (phosphofurin acidic cluster sorting protein 2; plus strand). Cytogenetic location: 14q32.33.
Variant type: single nucleotide variant.
Coding change: c.2660C>T on transcript NM_001100913.3 (MANE Select); coding-DNA position 2660, C replaced by T.
Protein change: p.Ser887Leu; replaces serine 887 with leucine.
Molecular consequence: missense variant.
Genome position (GRCh38, 1-based): chr14:105,394,617, C>T. VCF-style: chr14-105394617-C-T. GRCh37 (hg19) VCF-style: chr14-105860954-C-T.
Other names: c.2390C>T, p.Ser797Leu (NM_001243127.3); c.2615C>T, p.Ser872Leu (NM_015197.4); short protein forms S797L, S887L, S872L.
Identifiers: ClinVar variation 2012143 (VCV002012143.4), dbSNP rs374638981, ClinGen allele CA266585192.

ClinVar aggregate classification (germline): Uncertain significance (1 of 4 stars; one submission).

Allele frequency attached by ClinVar (database versions not stated): TOPMed below 0.00001; gnomAD 0.00001; ESP Exome Variant Server 0.00008.
gnomAD v4.1: 2 of 1,613,368 alleles (0.00012%); highest among the groups gnomAD compares: African/African-American, 0.0013%; no homozygotes.

Submission:

Labcorp Genetics (formerly Invitae), Labcorp
Classification: Uncertain significance. Last evaluated: 2022-08-03. Review status: criteria provided, single submitter. Criteria: Invitae Variant Classification Sherloc (09022015). Collection method: clinical testing. Allele origin: germline.
Comment: In summary, the available evidence is currently insufficient to determine the role of this variant in disease. Therefore, it has been classified as a Variant of Uncertain Significance. Algorithms developed to predict the effect of missense changes on protein structure and function are either unavailable or do not agree on the potential impact of this missense change (SIFT: "Deleterious"; PolyPhen-2: "Probably Damaging"; Align-GVGD: "Class C0"). This variant has not been reported in the literature in individuals affected with PACS2-related conditions. This variant is not present in population databases (gnomAD no frequency). This sequence change replaces serine, which is neutral and polar, with leucine, which is neutral and non-polar, at codon 887 of the PACS2 protein (p.Ser887Leu).